The following is an entry in ClinVar:

NM_017780.4(CHD7):c.755C>T (p.Ser252Leu)

Gene: CHD7 (chromodomain helicase DNA binding protein 7; plus strand). Cytogenetic location: 8q12.2.
Variant type: single nucleotide variant.
Coding change: c.755C>T on transcript NM_017780.4 (MANE Select); coding-DNA position 755, C replaced by T.
Protein change: p.Ser252Leu; replaces serine 252 with leucine.
Molecular consequence: missense variant.
Genome position (GRCh38, 1-based): chr8:60,742,187, C>T. VCF-style: chr8-60742187-C-T. GRCh37 (hg19) VCF-style: chr8-61654746-C-T.
Other names: c.755C>T, p.Ser252Leu (NM_001316690.1); short protein forms S252L.
Identifiers: ClinVar variation 363443 (VCV000363443.14), dbSNP rs371930390, ClinGen allele CA4759376.

ClinVar aggregate classification (germline): Conflicting classifications of pathogenicity. Review status: criteria provided, conflicting classifications (1 of 4 stars). 4 submissions from 4 submitters: Uncertain significance (3); Benign (1). Last evaluated 2025-12-22.

Conditions:
CHARGE syndrome (CHARGE). Also called: CHARGE ASSOCIATION--COLOBOMA, HEART ANOMALY, CHOANAL ATRESIA, RETARDATION, GENITAL AND EAR ANOMALIES; Coloboma, heart anomaly, choanal atresia, retardation, genital and ear anomalies; CHARGE association; Hall-Hittner syndrome; Hittner Hirsch Kreh syndrome. Identifiers: Orphanet 138, MedGen C0265354, MONDO:0008965.
Hypogonadotropic hypogonadism 5 with or without anosmia (KAL5). Also called: HYPOGONADOTROPIC HYPOGONADISM 5 WITH ANOSMIA; HYPOGONADOTROPHIC HYPOGONADISM 5 WITHOUT ANOSMIA; CHD7-Related GnRH Deficiency (Kallmann Syndrome 5). Identifiers: Orphanet 478, MedGen C3552553, MONDO:0012880, OMIM 612370. Disease mechanism: loss of function.

Allele frequency attached by ClinVar (database versions not stated): ExAC 0.00001; TOPMed 0.00001; gnomAD 0.00002; gnomAD exomes 0.00002; ESP Exome Variant Server 0.00008.
gnomAD v4.1: 65 of 1,613,804 alleles (0.004%); highest among the groups gnomAD compares: Non-Finnish European, 0.0055%; no homozygotes.

Submissions (4):

Labcorp Genetics (formerly Invitae), Labcorp
Classification: Benign for CHARGE syndrome. Last evaluated: 2025-12-22. Review status: criteria provided, single submitter. Criteria: Invitae Variant Classification Sherloc (09022015). Collection method: clinical testing. Allele origin: germline.

Blueprint Genetics
Classification: Uncertain significance. Last evaluated: 2023-03-03. Review status: criteria provided, single submitter. Criteria: ACMG Guidelines, 2015. Collection method: clinical testing. Allele origin: germline.

GeneDx
Classification: Uncertain significance. Last evaluated: 2019-03-18. Review status: criteria provided, single submitter. Criteria: GeneDx Variant Classification Process June 2021. Collection method: clinical testing. Allele origin: germline. Affected: yes.
Comment: Not observed at a significant frequency in large population cohorts (Lek et al., 2016); In silico analysis, which includes protein predictors and evolutionary conservation, supports that this variant does not alter protein structure/function; Has not been previously published as pathogenic or benign to our knowledge

Illumina Laboratory Services, Illumina
Classification: Uncertain significance for Kallmann Syndrome 5. Last evaluated: 2018-01-13. Review status: criteria provided, single submitter. Criteria: ICSL Variant Classification Criteria 13 December 2019. Collection method: clinical testing. Allele origin: germline.